The following is an entry in ClinVar:

ClinVar aggregate classification (germline): Uncertain significance. Review status: criteria provided, multiple submitters, no conflicts (2 of 4 stars). 6 submissions from 6 submitters: Uncertain significance (5). 1 of the submissions does not count toward it. Last evaluated 2026-02-03.

Conditions:
Hereditary cancer-predisposing syndrome. Also called: Hereditary Cancer Syndrome; Tumor predisposition; Neoplastic Syndromes, Hereditary; Hereditary neoplastic syndrome. Identifiers: Orphanet 140162, MedGen C0027672, MeSH D009386, MONDO:0015356.
Familial cancer of breast. Also called: hereditary breast carcinoma; BREAST CANCER, FAMILIAL; Hereditary breast cancer. Identifiers: Orphanet 227535, MedGen C0346153, MONDO:0016419, OMIM 114480. Disease mechanism: loss of function.
Ataxia-telangiectasia syndrome (AT). Also called: ATAXIA-TELANGIECTASIA, COMPLEMENTATION GROUP A; ATAXIA-TELANGIECTASIA, FRESNO VARIANT; Ataxia-telangiectasia; Ataxia-telangiectasia, complementation group E; Cerebello-oculocutaneous telangiectasia; Immunodeficiency with ataxia telangiectasia. Identifiers: Orphanet 100, MedGen C0004135, MONDO:0008840, OMIM 208900.

Allele frequency attached by ClinVar (database versions not stated): gnomAD exomes 0.00001 and 0.00003; TOPMed 0.00001; ExAC 0.00001; gnomAD 0.00001; ESP Exome Variant Server 0.00015.
gnomAD v4.1: 48 of 1,614,046 alleles (0.003%); highest among the groups gnomAD compares: Non-Finnish European, 0.004%; no homozygotes.

Submissions (6):

Labcorp Genetics (formerly Invitae), Labcorp
Classification: Uncertain significance for Ataxia-telangiectasia syndrome. Last evaluated: 2026-02-03. Review status: criteria provided, single submitter. Criteria: Invitae Variant Classification Sherloc (09022015). Collection method: clinical testing. Allele origin: germline.
Comment: This sequence change replaces serine, which is neutral and polar, with threonine, which is neutral and polar, at codon 2184 of the ATM protein (p.Ser2184Thr). This variant is present in population databases (rs374551964, gnomAD 0.003%). This variant has not been reported in the literature in individuals affected with ATM-related conditions. ClinVar contains an entry for this variant (Variation ID: 181980). Invitae Evidence Modeling of protein sequence and biophysical properties (such as structural, functional, and spatial information, amino acid conservation, physicochemical variation, residue mobility, and thermodynamic stability) indicates that this missense variant is not expected to disrupt ATM protein function with a negative predictive value of 95%. In summary, the available evidence is currently insufficient to determine the role of this variant in disease. Therefore, it has been classified as a Variant of Uncertain Significance.

Ambry Genetics
Classification: Uncertain significance for Hereditary cancer-predisposing syndrome. Last evaluated: 2025-10-11. Review status: criteria provided, single submitter. Criteria: Ambry Variant Classification Scheme 2023. Collection method: clinical testing. Allele origin: germline.
Comment: The p.S2184T variant (also known as c.6551G>C), located in coding exon 44 of the ATM gene, results from a G to C substitution at nucleotide position 6551. The serine at codon 2184 is replaced by threonine, an amino acid with similar properties. This alteration has been reported in a variety of cancer cohort studies, as well as unaffected controls (Grant RC et al. Gastroenterology, 2015 Mar;148:556-64; Decker B et al. J Med Genet, 2017 Nov;54:732-741; Young EL et al. J Med Genet, 2016 Jun;53:366-76; Tiao G et al. Leukemia, 2017 Oct;31:2244-2247; Dorling et al. N Engl J Med 2021 02;384:428-439). This amino acid position is poorly conserved in available vertebrate species. In addition, this alteration is predicted to be tolerated by in silico analysis. Since supporting evidence is limited at this time, the clinical significance of this alteration remains unclear.

Baylor Genetics
Classification: Uncertain significance for Familial cancer of breast. Last evaluated: 2023-10-12. Review status: criteria provided, single submitter. Criteria: ACMG Guidelines, 2015. Collection method: clinical testing. Allele origin: unknown.

GeneDx
Classification: Uncertain significance. Last evaluated: 2020-06-08. Review status: criteria provided, single submitter. Criteria: GeneDx Variant Classification Process June 2021. Collection method: clinical testing. Allele origin: germline. Affected: yes.
Comment: Not observed at a significant frequency in large population cohorts (Lek et al., 2016); In silico analysis supports that this missense variant does not alter protein structure/function; Identified in individuals with breast cancer (Decker 2017); This variant is associated with the following publications: (PMID: 28779002)

Color Diagnostics, LLC DBA Color Health
Classification: Uncertain significance for Hereditary cancer-predisposing syndrome. Last evaluated: 2020-02-24. Review status: criteria provided, single submitter. Criteria: ACMG Guidelines, 2015. Collection method: clinical testing. Allele origin: germline.
Comment: This missense variant replaces serine with threonine at codon 2184 of the ATM protein. Computational prediction suggests that this variant may not impact protein structure and function (internally defined REVEL score threshold <= 0.5, PMID: 27666373). Splice site prediction tools suggest that this variant may not impact RNA splicing. To our knowledge, functional studies have not been performed for this variant. This variant has not been reported in individuals affected with hereditary cancer in the literature. This variant has been identified in 3/251442 chromosomes in the general population by the Genome Aggregation Database (gnomAD). The available evidence is insufficient to determine the role of this variant in disease conclusively. Therefore, this variant is classified as a Variant of Uncertain Significance.

Natera, Inc.
Classification: Uncertain significance for Ataxia-telangiectasia. Last evaluated: 2020-09-16. Review status: no assertion criteria provided. Collection method: clinical testing. Allele origin: germline. Not counted in ClinVar's aggregate classification.

Literature cited by the submitters: PubMed 25479140 (cited by Ambry Genetics); PubMed 26787654 (cited by Ambry Genetics); PubMed 28652578 (cited by Ambry Genetics); PubMed 28779002 (cited by Ambry Genetics); PubMed 33471991 (cited by Ambry Genetics).

NM_000051.4(ATM):c.6551G>C (p.Ser2184Thr)

Genes: C11orf65 (chromosome 11 open reading frame 65; minus strand), ATM (ATM serine/threonine kinase; plus strand). Cytogenetic location: 11q22.3.
Variant type: single nucleotide variant.
Coding change: c.6551G>C on transcript NM_000051.4 (MANE Select); coding-DNA position 6551, G replaced by C.
Protein change: p.Ser2184Thr; replaces serine 2184 with threonine.
Molecular consequence: missense variant. On other transcripts: intron variant (2).
Genome position (GRCh38, 1-based): chr11:108,321,399, G>C. VCF-style: chr11-108321399-G-C. GRCh37 (hg19) VCF-style: chr11-108192126-G-C.
Other names: p.S2184T:AGC>ACC; c.6551G>C, p.Ser2184Thr (NM_001351834.2); c.641-12328C>G (NM_001330368.2); c.*39-12328C>G (NM_001351110.2); short protein forms S2184T.
Identifiers: ClinVar variation 181980 (VCV000181980.21), dbSNP rs374551964, ClinGen allele CA298314.
Genomic context (GRCh38, chr11:108,321,399, plus strand): 5'-AGTCTGTGTATTCGCTCTATCCCACACTTAGCAGGTTGCAGGCCATTGGAGAGCTGGAAA[G>C]CATTGGGGAGCTTTTCTCAAGGTATGTAATTCGTATGACTTTGTTATCCTAAAGTGCAGC-3'
Protein context (NP_000042.3, residues 2174-2194): SRLQAIGELE[Ser2184Thr]IGELFSRSVT